The following is an entry in ClinVar:

NM_001369268.1(ACAN):c.250G>T (p.Val84Leu)

Gene: ACAN (aggrecan; plus strand). Cytogenetic location: 15q26.1.
Variant type: single nucleotide variant.
Coding change: c.250G>T on transcript NM_001369268.1 (MANE Select); coding-DNA position 250, G replaced by T.
Protein change: p.Val84Leu; replaces valine 84 with leucine.
Molecular consequence: missense variant.
Genome position (GRCh38, 1-based): chr15:88,838,842, G>T. VCF-style: chr15-88838842-G-T. GRCh37 (hg19) VCF-style: chr15-89382073-G-T.
Other names: c.250G>T (NM_013227.3); c.250G>T, p.Val84Leu (NM_001135.4, NM_001411096.1, NM_001411097.1 and 1 more transcripts); short protein forms V84L.
Identifiers: ClinVar variation 2993639 (VCV002993639.4), dbSNP rs766995595, ClinGen allele CA7719177.
Genomic context (GRCh38, chr15:88,838,842, plus strand): 5'-CCTTCTACCGCCCCACTGGCCCCAAGAATCAAGTGGAGCCGTGTGTCCAAGGAGAAGGAG[G>T]TAGTGCTGCTGGTGGCCACTGAAGGGCGCGTGCGGGTCAACAGTGCCTATCAGGACAAGG-3'
Protein context (NP_001356197.1, residues 74-94): KWSRVSKEKE[Val84Leu]VLLVATEGRV

ClinVar aggregate classification (germline): Uncertain significance. Review status: criteria provided, multiple submitters, no conflicts (2 of 4 stars). 2 submissions from 2 submitters: Uncertain significance (2). Last evaluated 2025-06-10.

Conditions:
Inborn genetic diseases. Identifiers: MedGen C0950123, MeSH D030342.

Allele frequency attached by ClinVar (database versions not stated): ExAC 0.00001.
gnomAD v4.1: 1 of 1,614,032 alleles (0.000062%); highest among the groups gnomAD compares: Admixed American, 0.0017%; no homozygotes.

Submissions (2):

Labcorp Genetics (formerly Invitae), Labcorp
Classification: Uncertain significance. Last evaluated: 2025-06-10. Review status: criteria provided, single submitter. Criteria: Invitae Variant Classification Sherloc (09022015). Collection method: clinical testing. Allele origin: germline.
Comment: This sequence change replaces valine, which is neutral and non-polar, with leucine, which is neutral and non-polar, at codon 84 of the ACAN protein (p.Val84Leu). This variant is present in population databases (rs766995595, gnomAD 0.003%). This variant has not been reported in the literature in individuals affected with ACAN-related conditions. ClinVar contains an entry for this variant (Variation ID: 2993639). Invitae Evidence Modeling of protein sequence and biophysical properties (such as structural, functional, and spatial information, amino acid conservation, physicochemical variation, residue mobility, and thermodynamic stability) indicates that this missense variant is not expected to disrupt ACAN protein function with a negative predictive value of 80%. In summary, the available evidence is currently insufficient to determine the role of this variant in disease. Therefore, it has been classified as a Variant of Uncertain Significance.

Ambry Genetics
Classification: Uncertain significance for Inborn genetic diseases. Last evaluated: 2025-01-24. Review status: criteria provided, single submitter. Criteria: Ambry Variant Classification Scheme 2023. Collection method: clinical testing. Allele origin: germline.